The following is an entry in ClinVar:

NM_018975.4(TERF2IP):c.744A>C (p.Glu248Asp)

Gene: TERF2IP (TERF2 interacting protein; plus strand). Cytogenetic location: 16q23.1.
Variant type: single nucleotide variant.
Coding change: c.744A>C on transcript NM_018975.4 (MANE Select); coding-DNA position 744, A replaced by C.
Protein change: p.Glu248Asp; replaces glutamic acid 248 with aspartic acid.
Molecular consequence: missense variant. On other transcripts: non-coding transcript variant (1).
Genome position (GRCh38, 1-based): chr16:75,654,346, A>C. VCF-style: chr16-75654346-A-C. GRCh37 (hg19) VCF-style: chr16-75688244-A-C.
Other names: short protein forms E248D.
Identifiers: ClinVar variation 1758950 (VCV001758950.4), dbSNP rs2507086474, ClinGen allele CA396819175.

ClinVar aggregate classification (germline): Uncertain significance. Review status: criteria provided, multiple submitters, no conflicts (2 of 4 stars). 2 submissions from 2 submitters: Uncertain significance (2). Last evaluated 2025-09-03.

Submissions (2):

Labcorp Genetics (formerly Invitae), Labcorp
Classification: Uncertain significance. Last evaluated: 2025-09-03. Review status: criteria provided, single submitter. Criteria: Invitae Variant Classification Sherloc (09022015). Collection method: clinical testing. Allele origin: germline.
Comment: This sequence change replaces glutamic acid, which is acidic and polar, with aspartic acid, which is acidic and polar, at codon 248 of the TERF2IP protein (p.Glu248Asp). This variant is not present in population databases (gnomAD no frequency). This variant has not been reported in the literature in individuals affected with TERF2IP-related conditions. ClinVar contains an entry for this variant (Variation ID: 1758950). An algorithm developed to predict the effect of missense changes on protein structure and function outputs the following: PolyPhen-2: "Benign". The aspartic acid amino acid residue is found in multiple mammalian species, which suggests that this missense change does not adversely affect protein function. In summary, the available evidence is currently insufficient to determine the role of this variant in disease. Therefore, it has been classified as a Variant of Uncertain Significance.

Ambry Genetics
Classification: Uncertain significance. Last evaluated: 2025-02-13. Review status: criteria provided, single submitter. Criteria: Ambry Variant Classification Scheme 2023. Collection method: clinical testing. Allele origin: germline.